The following is an entry in ClinVar:

ClinVar aggregate classification (germline): Likely pathogenic (0 of 4 stars; one submission).

Conditions:
BRCA1-related disorder. Also called: BRCA1-related condition.

Submission:

PreventionGenetics, part of Exact Sciences
Classification: Likely pathogenic for BRCA1-related condition. Last evaluated: 2024-01-18. Review status: no assertion criteria provided. Collection method: clinical testing. Allele origin: germline.
Comment: The BRCA1 c.1498_1499delAA variant is predicted to result in premature protein termination (p.Asn500*). To our knowledge, this variant has not been reported in the literature or in a large population database, indicating this variant is rare. Nonsense variants in BRCA1 are expected to be pathogenic. This variant is interpreted as likely pathogenic.

NM_007294.4(BRCA1):c.1498_1499del (p.Thr499_Asn500insTer)

Gene: BRCA1 (BRCA1 DNA repair associated; minus strand). Cytogenetic location: 17q21.31.
Variant type: Deletion.
Coding change: c.1498_1499del on transcript NM_007294.4 (MANE Select); coding-DNA positions 1498 to 1499, 2 bases deleted (AA; older notation c.1498_1499delAA).
Protein change: p.Thr499_Asn500insTer.
Molecular consequence: nonsense. On other transcripts: intron variant (137), frameshift variant (1).
Genome position (GRCh38, 1-based): chr17:43,094,032-43,094,033, TT deleted on the plus strand (AA on the coding strand, the reverse complement: BRCA1 is on the minus strand); deleting any 2 consecutive bases within chr17:43,094,032-43,094,034 gives the same sequence; the c. name uses the placement nearest the transcript's 3' end. VCF-style (leftmost placement, unchanged base first): chr17-43094031-ATT-A. GRCh37 (hg19) VCF-style: chr17-41246048-ATT-A.
Other names: c.1234_1235del, p.Thr411_Asn412insTer (NM_001407928.1, NM_001407929.1, NM_001407933.1 and 9 more transcripts); c.1231_1232del, p.Thr410_Asn411insTer (NM_001407930.1, NM_001407931.1, NM_001407932.1 and 2 more transcripts); c.1375_1376del, p.Thr458_Asn459insTer (NM_001407937.1, NM_001407938.1, NM_001407939.1 and 19 more transcripts); c.1372_1373del, p.Thr457_Asn458insTer (NM_001407940.1, NM_001407941.1, NM_001407649.1 and 11 more transcripts); c.1357_1358del, p.Thr452_Asn453insTer (NM_001407942.1, NM_001407944.1, NM_001407945.1 and 29 more transcripts); c.1354_1355del, p.Thr451_Asn452insTer (NM_001407943.1, NM_001407964.1, NM_001407740.1 and 20 more transcripts); c.1165_1166del, p.Thr388_Asn389insTer (NM_001407946.1, NM_001407947.1, NM_001407948.1 and 6 more transcripts); c.1162_1163del, p.Thr387_Asn388insTer (NM_001407954.1, NM_001407955.1, NM_001407956.1 and 1 more transcripts); and 41 more.
Identifiers: ClinVar variation 3033443 (VCV003033443.2), dbSNP rs397508874, ClinGen allele CA2740093741.